The following is an entry in ClinVar:

ClinVar aggregate classification (germline): Benign (1 of 4 stars; one submission).

Conditions:
Familial cancer of breast. Also called: BREAST CANCER, FAMILIAL; Hereditary breast cancer; hereditary breast carcinoma. Identifiers: Orphanet 227535, MedGen C0346153, MONDO:0016419, OMIM 114480. Disease mechanism: loss of function.

Submission:

Myriad Genetics, Inc.
Classification: Benign for Familial cancer of breast. Last evaluated: 2024-05-15. Review status: criteria provided, single submitter. Criteria: Myriad Autosomal Dominant, Autosomal Recessive and X-Linked Classification Criteria (2023). Collection method: clinical testing. Allele origin: unknown.
Comment: This variant is considered benign. This variant is a silent/synonymous amino acid change and it is not expected to impact splicing.

NM_000051.4(ATM):c.3942T>G (p.Thr1314=)

Gene: ATM (ATM serine/threonine kinase; plus strand). Cytogenetic location: 11q22.3.
Variant type: single nucleotide variant.
Coding change: c.3942T>G on transcript NM_000051.4 (MANE Select); coding-DNA position 3942, T replaced by G.
Protein change: p.Thr1314=; no amino-acid change (threonine 1314 retained).
Molecular consequence: synonymous variant.
Genome position (GRCh38, 1-based): chr11:108,284,422, T>G. VCF-style: chr11-108284422-T-G. GRCh37 (hg19) VCF-style: chr11-108155149-T-G.
Other names: c.3942T>G, p.Thr1314= (NM_001351834.2).
Identifiers: ClinVar variation 3253922 (VCV003253922.1), dbSNP rs558360643.